The following is an entry in ClinVar:

NM_002335.4(LRP5):c.2091+6G>A

Gene: LRP5 (LDL receptor related protein 5; plus strand). Cytogenetic location: 11q13.2.
Variant type: single nucleotide variant.
Coding change: c.2091+6G>A on transcript NM_002335.4 (MANE Select); 6 bases into the intron after coding-DNA position 2091, G replaced by A.
Molecular consequence: intron variant.
Genome position (GRCh38, 1-based): chr11:68,406,819, G>A. VCF-style: chr11-68406819-G-A. GRCh37 (hg19) VCF-style: chr11-68174287-G-A.
Other names: c.348+6G>A (NM_001291902.2).
Identifiers: ClinVar variation 2056915 (VCV002056915.4), dbSNP rs773836872, ClinGen allele CA6149522.

ClinVar aggregate classification (germline): Uncertain significance (1 of 4 stars; one submission).

Allele frequency attached by ClinVar (database versions not stated): ExAC 0.00001; gnomAD 0.00001; TOPMed 0.00001.
gnomAD v4.1: 12 of 1,613,524 alleles (0.00074%); highest among the groups gnomAD compares: Admixed American, 0.0067%; no homozygotes.

Submission:

Labcorp Genetics (formerly Invitae), Labcorp
Classification: Uncertain significance. Last evaluated: 2025-04-17. Review status: criteria provided, single submitter. Criteria: Invitae Variant Classification Sherloc (09022015). Collection method: clinical testing. Allele origin: germline.
Comment: This sequence change falls in intron 9 of the LRP5 gene. It does not directly change the encoded amino acid sequence of the LRP5 protein. It affects a nucleotide within the consensus splice site. This variant is present in population databases (rs773836872, gnomAD 0.009%). This variant has not been reported in the literature in individuals affected with LRP5-related conditions. ClinVar contains an entry for this variant (Variation ID: 2056915). Variants that disrupt the consensus splice site are a relatively common cause of aberrant splicing (PMID: 17576681, 9536098). Algorithms developed to predict the effect of sequence changes on RNA splicing suggest that this variant is not likely to affect RNA splicing. In summary, the available evidence is currently insufficient to determine the role of this variant in disease. Therefore, it has been classified as a Variant of Uncertain Significance.

Literature cited by the submitters: PubMed 17576681; PubMed 9536098.